The following is an entry in ClinVar:

NM_002473.6(MYH9):c.138C>G (p.Leu46=)

Gene: MYH9 (myosin heavy chain 9; minus strand). Cytogenetic location: 22q12.3.
Variant type: single nucleotide variant.
Coding change: c.138C>G on transcript NM_002473.6 (MANE Select); coding-DNA position 138, C replaced by G.
Protein change: p.Leu46=; no amino-acid change (leucine 46 retained).
Molecular consequence: synonymous variant.
Genome position (GRCh38, 1-based): chr22:36,349,099, G>C on the plus strand (C>G on the coding strand, the complement: MYH9 is on the minus strand). VCF-style: chr22-36349099-G-C. GRCh37 (hg19) VCF-style: chr22-36745144-G-C.
Identifiers: ClinVar variation 3048583 (VCV003048583.2), dbSNP rs773127242, ClinGen allele CA514478212.
Genomic context (GRCh38, chr22:36,349,099, plus strand): 5'-CTTCACCTTCTTCCCATTCTCCACCAGCTCCACGATGGCCTCTTCGCCCACCTCCTCCTT[G>C]AGGCTGGCTGGCTCAAAGCCACTCTTGTCGGAAGGCACCCATACCAGCTTCTTGGCAGCC-3'
Protein context (NP_002464.1, residues 36-56): SDKSGFEPAS[Leu46=]KEEVGEEAIV

ClinVar aggregate classification (germline): Likely benign (0 of 4 stars; one submission).

Conditions:
MYH9-related disorder. Identifiers: MedGen C1854520.

Submission:

PreventionGenetics, part of Exact Sciences
Classification: Likely benign for MYH9-related condition. Last evaluated: 2022-10-03. Review status: no assertion criteria provided. Collection method: clinical testing. Allele origin: germline.
Comment: This variant is classified as likely benign based on ACMG/AMP sequence variant interpretation guidelines (Richards et al. 2015 PMID: 25741868, with internal and published modifications).